The following is an entry in ClinVar:

ClinVar aggregate classification (germline): Uncertain significance (1 of 4 stars; one submission).

Conditions:
Branchiootic syndrome 3 (BOS3). Also called: BO SYNDROME 3. Identifiers: MedGen C1842124, MONDO:0012025, OMIM 608389.
Autosomal dominant nonsyndromic hearing loss 23. Identifiers: Orphanet 90635, MedGen C1854594, MONDO:0011519, OMIM 605192.

Submission:

Labcorp Genetics (formerly Invitae), Labcorp
Classification: Uncertain significance for Autosomal dominant nonsyndromic hearing loss 23; Branchiootic syndrome 3. Last evaluated: 2023-07-22. Review status: criteria provided, single submitter. Criteria: Invitae Variant Classification Sherloc (09022015). Collection method: clinical testing. Allele origin: germline.
Comment: In summary, the available evidence is currently insufficient to determine the role of this variant in disease. Therefore, it has been classified as a Variant of Uncertain Significance. Advanced modeling of protein sequence and biophysical properties (such as structural, functional, and spatial information, amino acid conservation, physicochemical variation, residue mobility, and thermodynamic stability) performed at Invitae indicates that this missense variant is expected to disrupt SIX1 protein function. This missense change has been observed in individual(s) with clinical features of SIX1-related conditions (Invitae). It has also been observed to segregate with disease in related individuals. This variant is not present in population databases (gnomAD no frequency). This sequence change replaces arginine, which is basic and polar, with serine, which is neutral and polar, at codon 176 of the SIX1 protein (p.Arg176Ser).

NM_005982.4(SIX1):c.528G>T (p.Arg176Ser)

Genes: SIX1 (SIX homeobox 1; minus strand), MIR9718 (microRNA 9718; plus strand). Cytogenetic location: 14q23.1.
Variant type: single nucleotide variant.
Coding change: c.528G>T on transcript NM_005982.4 (MANE Select); coding-DNA position 528, G replaced by T.
Protein change: p.Arg176Ser; replaces arginine 176 with serine.
Molecular consequence: missense variant. On other transcripts: non-coding transcript variant (1).
Genome position (GRCh38, 1-based): chr14:60,648,662, C>A on the plus strand (G>T on the coding strand, the complement: SIX1 is on the minus strand). VCF-style: chr14-60648662-C-A. GRCh37 (hg19) VCF-style: chr14-61115380-C-A.
Other names: short protein forms R176S.
Identifiers: ClinVar variation 2924817 (VCV002924817.3), dbSNP rs553177839, ClinGen allele CA389910118.